The following is an entry in ClinVar:

ClinVar aggregate classification (germline): Uncertain significance (1 of 4 stars; one submission).

Allele frequency attached by ClinVar (database versions not stated): 1000 Genomes Project 30x 0.00016; 1000 Genomes Project 0.00020.

Submission:

Labcorp Genetics (formerly Invitae), Labcorp
Classification: Uncertain significance. Last evaluated: 2023-12-26. Review status: criteria provided, single submitter. Criteria: Invitae Variant Classification Sherloc (09022015). Collection method: clinical testing. Allele origin: germline.
Comment: This sequence change replaces histidine, which is basic and polar, with glutamine, which is neutral and polar, at codon 317 of the IRF2BP2 protein (p.His317Gln). This variant is present in population databases (rs569733886, gnomAD 0.03%). This variant has not been reported in the literature in individuals affected with IRF2BP2-related conditions. An algorithm developed to predict the effect of missense changes on protein structure and function (PolyPhen-2) suggests that this variant is likely to be disruptive. In summary, the available evidence is currently insufficient to determine the role of this variant in disease. Therefore, it has been classified as a Variant of Uncertain Significance.

NM_182972.3(IRF2BP2):c.951C>G (p.His317Gln)

Gene: IRF2BP2 (interferon regulatory factor 2 binding protein 2; minus strand). Cytogenetic location: 1q42.3.
Variant type: single nucleotide variant.
Coding change: c.951C>G on transcript NM_182972.3 (MANE Select); coding-DNA position 951, C replaced by G.
Protein change: p.His317Gln; replaces histidine 317 with glutamine.
Molecular consequence: missense variant.
Genome position (GRCh38, 1-based): chr1:234,608,544, G>C on the plus strand (C>G on the coding strand, the complement: IRF2BP2 is on the minus strand). VCF-style: chr1-234608544-G-C. GRCh37 (hg19) VCF-style: chr1-234744290-G-C.
Other names: c.951C>G, p.His317Gln (NM_001077397.1); short protein forms H317Q.
Identifiers: ClinVar variation 2991141 (VCV002991141.3), dbSNP rs569733886, ClinGen allele CA1461719.